The following is an entry in ClinVar:

ClinVar aggregate classification (germline): Uncertain significance. Review status: criteria provided, multiple submitters, no conflicts (2 of 4 stars). 2 submissions from 2 submitters: Uncertain significance (2). Last evaluated 2024-10-13.

Conditions:
POLD1-related polyposis and colorectal cancer syndrome (CRCS10). Also called: Colorectal cancer 10; COLORECTAL CANCER, SUSCEPTIBILITY TO, ON CHROMOSOME 19q; Colorectal cancer, susceptibility to, 10. Identifiers: Orphanet 220460, MedGen C2675481, MONDO:0012953, OMIM 612591.
Hereditary cancer-predisposing syndrome. Also called: Tumor predisposition; Neoplastic Syndromes, Hereditary; Hereditary Cancer Syndrome; Hereditary neoplastic syndrome. Identifiers: Orphanet 140162, MedGen C0027672, MeSH D009386, MONDO:0015356.

Submissions (2):

Ambry Genetics
Classification: Uncertain significance for Hereditary cancer-predisposing syndrome. Last evaluated: 2024-10-13. Review status: criteria provided, single submitter. Criteria: Ambry Variant Classification Scheme 2023. Collection method: clinical testing. Allele origin: germline.
Comment: The p.L80F variant (also known as c.238C>T), located in coding exon 2 of the POLD1 gene, results from a C to T substitution at nucleotide position 238. The leucine at codon 80 is replaced by phenylalanine, an amino acid with highly similar properties. This amino acid position is conserved. In addition, this alteration is predicted to be tolerated by in silico analysis. Based on the available evidence, the clinical significance of this variant remains unclear.

Labcorp Genetics (formerly Invitae), Labcorp
Classification: Uncertain significance for POLD1-related polyposis and colorectal cancer syndrome. Last evaluated: 2024-04-25. Review status: criteria provided, single submitter. Criteria: Invitae Variant Classification Sherloc (09022015). Collection method: clinical testing. Allele origin: germline.
Comment: This sequence change replaces leucine, which is neutral and non-polar, with phenylalanine, which is neutral and non-polar, at codon 80 of the POLD1 protein (p.Leu80Phe). This variant is not present in population databases (gnomAD no frequency). This variant has not been reported in the literature in individuals affected with POLD1-related conditions. ClinVar contains an entry for this variant (Variation ID: 2071853). Advanced modeling of protein sequence and biophysical properties (such as structural, functional, and spatial information, amino acid conservation, physicochemical variation, residue mobility, and thermodynamic stability) performed at Invitae indicates that this missense variant is not expected to disrupt POLD1 protein function with a negative predictive value of 80%. In summary, the available evidence is currently insufficient to determine the role of this variant in disease. Therefore, it has been classified as a Variant of Uncertain Significance.

NM_002691.4(POLD1):c.238C>T (p.Leu80Phe)

Gene: POLD1 (DNA polymerase delta 1, catalytic subunit; plus strand). Cytogenetic location: 19q13.33.
Variant type: single nucleotide variant.
Coding change: c.238C>T on transcript NM_002691.4 (MANE Select); coding-DNA position 238, C replaced by T.
Protein change: p.Leu80Phe; replaces leucine 80 with phenylalanine.
Molecular consequence: missense variant. On other transcripts: non-coding transcript variant (1).
Genome position (GRCh38, 1-based): chr19:50,399,406, C>T. VCF-style: chr19-50399406-C-T. GRCh37 (hg19) VCF-style: chr19-50902663-C-T.
Other names: c.238C>T (NM_002691.2); c.238C>T, p.Leu80Phe (NM_001256849.1, NM_001308632.1); short protein forms L80F.
Identifiers: ClinVar variation 2071853 (VCV002071853.5), dbSNP rs1555789219, ClinGen allele CA406970447.
Genomic context (GRCh38, chr19:50,399,406, plus strand): 5'-CCACTTCCTTCCCTTCCCCCACCAGGGCAGGTCCCACCATCAGCCATAGATCCTCGCTGG[C>T]TTCGGCCCACACCACCAGCGCTGGACCCCCAGACAGAGCCCCTCATCTTCCAACAGTTGG-3'
Protein context (NP_002682.2, residues 70-90): VPPSAIDPRW[Leu80Phe]RPTPPALDPQ